The following is an entry in ClinVar:

NM_005045.4(RELN):c.10273GTC[1] (p.Val3426del)

Genes: RELN (reelin; minus strand), SLC26A5-AS1 (SLC26A5 antisense RNA 1; plus strand). Cytogenetic location: 7q22.1.
Variant type: Microsatellite.
Coding change: c.10273GTC[1] on transcript NM_005045.4 (MANE Select); one copy of the 3-base unit GTC starting at c.10273; the reference has two copies in a row; one copy, 3 bases deleted.
Protein change: p.Val3426del; deletes valine 3426.
Molecular consequence: inframe deletion.
Genome position (GRCh38, 1-based): chr7:103,482,875-103,482,877, GAC deleted on the plus strand (GTC on the coding strand, the reverse complement: RELN is on the minus strand); deleting any 3 consecutive bases within chr7:103,482,875-103,482,880 gives the same sequence; the position shown is the placement nearest the transcript's 3' end. VCF-style (leftmost placement, unchanged base first): chr7-103482874-GGAC-G. GRCh37 (hg19) VCF-style: chr7-103123321-GGAC-G.
Other names: c.10273GTC[1], p.Val3426del (NM_173054.3); short protein forms V3426del.
Identifiers: ClinVar variation 1438362 (VCV001438362.6), dbSNP rs1159588480, ClinGen allele CA576952718.

ClinVar aggregate classification (germline): Uncertain significance (1 of 4 stars; one submission).

Conditions:
Familial temporal lobe epilepsy 7. Identifiers: Orphanet 101046, MedGen C4225327, MONDO:0014639, OMIM 616436.
Norman-Roberts syndrome (LIS2). Also called: Lissencephaly 2 (Norman-Roberts type). Identifiers: Orphanet 89844, MedGen C0796089, MONDO:0009760, OMIM 257320.

Submission:

Labcorp Genetics (formerly Invitae), Labcorp
Classification: Uncertain significance for Familial temporal lobe epilepsy 7; Norman-Roberts syndrome. Last evaluated: 2023-11-27. Review status: criteria provided, single submitter. Criteria: Invitae Variant Classification Sherloc (09022015). Collection method: clinical testing. Allele origin: germline.
Comment: This variant, c.10276_10278del, results in the deletion of 1 amino acid(s) of the RELN protein (p.Val3426del), but otherwise preserves the integrity of the reading frame. This variant is present in population databases (no rsID available, gnomAD 0.01%). This variant has not been reported in the literature in individuals affected with RELN-related conditions. Experimental studies and prediction algorithms are not available or were not evaluated, and the functional significance of this variant is currently unknown. In summary, the available evidence is currently insufficient to determine the role of this variant in disease. Therefore, it has been classified as a Variant of Uncertain Significance.